The following is an entry in ClinVar:

ClinVar aggregate classification (germline): Likely pathogenic (1 of 4 stars; one submission).

Conditions:
Acrocallosal syndrome (ACLS). Also called: HALLUX DUPLICATION, POSTAXIAL POLYDACTYLY, AND ABSENCE OF CORPUS CALLOSUM; Schinzel syndrome 1; Absence of corpus callosum with unusual facial appearance, mental deficiency, duplication of the halluces and polydactyly. Identifiers: Orphanet 36, MedGen C0796147, MONDO:0008708, OMIM 200990.

Submission:

Women's Health and Genetics/Laboratory Corporation of America, LabCorp
Classification: Likely pathogenic for Acrocallosal syndrome. Last evaluated: 2022-10-10. Review status: criteria provided, single submitter. Criteria: LabCorp Variant Classification Summary - May 2015. Collection method: clinical testing. Allele origin: germline.
Comment: Variant summary: The variant identified by MLPA or other technology involves the deletion of the non-coding exon 1 and exon 2 that contains the canonical translation initiation codon of the KIF7 gene. The exact breakpoint at the 5' end of this variant is unknown and therefore this deletion might extend upstream of the assayed region of the gene. A presumed nomenclature of c.(?_-78)_(328+1_329-1)del has been designated for the purposes of this classification. Although exact breakpoints of this deletion are not known, it is expected to result in it is expected to result in an absent or shortened protein product, a known mechanism of disease. The variant was absent in 21694 control chromosomes (gnomAD structural variants dataset). To our knowledge, no occurrence of c.(?_-78)_(328+1_329-1)del in individuals affected with Acrocallosal Syndrome/Joubert Syndrome 12 and no experimental evidence demonstrating its impact on protein function have been reported. No clinical diagnostic laboratories have submitted clinical-significance assessments for this variant to ClinVar after 2014. Based on the evidence outlined above, the variant was classified as likely pathogenic.

NC_000015.9:g.(90193173_90195833)_(90198683_?)del

Gene: KIF7 (kinesin family member 7; minus strand). Cytogenetic location: 15q26.1.
Variant type: Deletion.
Identifiers: ClinVar variation 1723278 (VCV001723278.1).